The following is an entry in ClinVar:

NM_031372.4(HNRNPDL):c.907T>G (p.Cys303Gly)

Gene: HNRNPDL (heterogeneous nuclear ribonucleoprotein D like; minus strand). Cytogenetic location: 4q21.22.
Variant type: single nucleotide variant.
Coding change: c.907T>G on transcript NM_031372.4 (MANE Select); coding-DNA position 907, T replaced by G.
Protein change: p.Cys303Gly; replaces cysteine 303 with glycine.
Molecular consequence: missense variant. On other transcripts: non-coding transcript variant (1).
Genome position (GRCh38, 1-based): chr4:82,427,304, A>C on the plus strand (T>G on the coding strand, the complement: HNRNPDL is on the minus strand). VCF-style: chr4-82427304-A-C. GRCh37 (hg19) VCF-style: chr4-83348457-A-C.
Other names: c.907T>G, p.Cys303Gly (NM_001207000.1); short protein forms C303G.
Identifiers: ClinVar variation 2704886 (VCV002704886.3), dbSNP rs2530014175, ClinGen allele CA357169813.
Genomic context (GRCh38, chr4:82,427,304, plus strand): 5'-CTTTTTGTTGTTGCTGTTGCTGCCTATATACCTCTTTGGGTTGTGCAACTTTGATTTCAC[A>C]CTATAAACAAAAAACATGAAAGTATAATTTTTACCGAAGTTCTAAAATTAAATCATTTTA-3'
Protein context (NP_112740.1, residues 293-313): SRYHQIGSGK[Cys303Gly]EIKVAQPKEV

ClinVar aggregate classification (germline): Uncertain significance (1 of 4 stars; one submission).

Conditions:
Autosomal dominant limb-girdle muscular dystrophy type 1G (LGMDD3). Also called: Limb-girdle muscular dystrophy, type 1G; MUSCULAR DYSTROPHY, LIMB-GIRDLE, AUTOSOMAL DOMINANT 3. Identifiers: Orphanet 55596, MedGen C1836765, MONDO:0012193, OMIM 609115.

Submission:

Labcorp Genetics (formerly Invitae), Labcorp
Classification: Uncertain significance for Autosomal dominant limb-girdle muscular dystrophy type 1G. Last evaluated: 2023-12-31. Review status: criteria provided, single submitter. Criteria: Invitae Variant Classification Sherloc (09022015). Collection method: clinical testing. Allele origin: germline.
Comment: This sequence change replaces cysteine, which is neutral and slightly polar, with glycine, which is neutral and non-polar, at codon 303 of the HNRNPDL protein (p.Cys303Gly). This variant is not present in population databases (gnomAD no frequency). This variant has not been reported in the literature in individuals affected with HNRNPDL-related conditions. An algorithm developed to predict the effect of missense changes on protein structure and function (PolyPhen-2) suggests that this variant is likely to be disruptive. In summary, the available evidence is currently insufficient to determine the role of this variant in disease. Therefore, it has been classified as a Variant of Uncertain Significance.